The following is an entry in ClinVar:

ClinVar aggregate classification (germline): Uncertain significance. Review status: criteria provided, multiple submitters, no conflicts (2 of 4 stars). 2 submissions from 2 submitters: Uncertain significance (2). Last evaluated 2025-08-27.

gnomAD v4.1: 1 of 1,614,212 alleles (0.000062%); highest among the groups gnomAD compares: Non-Finnish European, 0.000085%; no homozygotes.

Submissions (2):

Labcorp Genetics (formerly Invitae), Labcorp
Classification: Uncertain significance. Last evaluated: 2025-08-27. Review status: criteria provided, single submitter. Criteria: Invitae Variant Classification Sherloc (09022015). Collection method: clinical testing. Allele origin: germline.
Comment: This sequence change replaces glycine, which is neutral and non-polar, with valine, which is neutral and non-polar, at codon 30 of the COL4A1 protein (p.Gly30Val). This variant is not present in population databases (gnomAD no frequency). This variant has not been reported in the literature in individuals affected with COL4A1-related conditions. Invitae Evidence Modeling of protein sequence and biophysical properties (such as structural, functional, and spatial information, amino acid conservation, physicochemical variation, residue mobility, and thermodynamic stability) indicates that this missense variant is not expected to disrupt COL4A1 protein function with a negative predictive value of 95%. In summary, the available evidence is currently insufficient to determine the role of this variant in disease. Therefore, it has been classified as a Variant of Uncertain Significance.

Dasa
Classification: Uncertain significance. Last evaluated: 2025-07-23. Review status: criteria provided, single submitter. Criteria: DASA Assertion Criteria. Collection method: clinical testing. Allele origin: germline.
Comment: NM_001845.6(COL4A1):c.89G>T (p.Gly30Val) is a missense variant that results in the substitution of glycine with valine. This variant is rare in population databases. Computational prediction algorithms are consistent with a benign effect. The currently available literature and clinical evidence are not sufficient to establish a definitive association between this variant and the reported condition. Therefore, this variant is classified as a variant of uncertain significance.

NM_001845.6(COL4A1):c.89G>T (p.Gly30Val)

Gene: COL4A1 (collagen type IV alpha 1 chain; minus strand). Cytogenetic location: 13q34.
Variant type: single nucleotide variant.
Coding change: c.89G>T on transcript NM_001845.6 (MANE Select); coding-DNA position 89, G replaced by T.
Protein change: p.Gly30Val; replaces glycine 30 with valine.
Molecular consequence: missense variant.
Genome position (GRCh38, 1-based): chr13:110,242,730, C>A on the plus strand (G>T on the coding strand, the complement: COL4A1 is on the minus strand). VCF-style: chr13-110242730-C-A. GRCh37 (hg19) VCF-style: chr13-110895077-C-A.
Other names: c.89G>T, p.Gly30Val (NM_001303110.2); short protein forms G30V.
Identifiers: ClinVar variation 4774235 (VCV004774235.3).